The following is an entry in ClinVar:

ClinVar aggregate classification (germline): Uncertain significance. Review status: criteria provided, multiple submitters, no conflicts (2 of 4 stars). 5 submissions from 5 submitters: Uncertain significance (4). 1 of the submissions does not count toward it. Last evaluated 2024-09-24.

Conditions:
POLG-related disorder. Also called: POLG-related condition; POLG-Related Disorders; POLG-Related Spectrum Disorders. Identifiers: MedGen C4763519.
Progressive sclerosing poliodystrophy (MTDPS4A). Also called: Alpers-Huttenlocher Syndrome; Alpers Syndrome; Mitochondrial DNA Depletion Syndrome 4A; ALPERS DIFFUSE DEGENERATION OF CEREBRAL GRAY MATTER WITH HEPATIC CIRRHOSIS; NEURONAL DEGENERATION OF CHILDHOOD WITH LIVER DISEASE, PROGRESSIVE; Mitochondrial DNA depletion syndrome 4A (Alpers type). Identifiers: Orphanet 726, MedGen C0205710, MONDO:0008758, OMIM 203700.

Allele frequency attached by ClinVar (database versions not stated): TOPMed below 0.00001.
gnomAD v4.1: 1 of 1,614,062 alleles (0.000062%); highest among the groups gnomAD compares: Non-Finnish European, 0.000085%; no homozygotes.

Submissions (5):

Labcorp Genetics (formerly Invitae), Labcorp
Classification: Uncertain significance for Progressive sclerosing poliodystrophy. Last evaluated: 2024-09-24. Review status: criteria provided, single submitter. Criteria: Invitae Variant Classification Sherloc (09022015). Collection method: clinical testing. Allele origin: germline.
Comment: This sequence change replaces serine, which is neutral and polar, with leucine, which is neutral and non-polar, at codon 1036 of the POLG protein (p.Ser1036Leu). This variant is not present in population databases (gnomAD no frequency). This variant has not been reported in the literature in individuals affected with POLG-related conditions. ClinVar contains an entry for this variant (Variation ID: 1431486). An algorithm developed to predict the effect of missense changes on protein structure and function (PolyPhen-2) suggests that this variant is likely to be disruptive. In summary, the available evidence is currently insufficient to determine the role of this variant in disease. Therefore, it has been classified as a Variant of Uncertain Significance.

Mayo Clinic Laboratories, Mayo Clinic
Classification: Uncertain significance. Last evaluated: 2024-01-03. Review status: criteria provided, single submitter. Criteria: ACMG Guidelines, 2015. Collection method: clinical testing. Allele origin: germline. Observed: 1 variant allele.
Comment: PM2_moderate

GeneDx
Classification: Uncertain significance. Last evaluated: 2022-12-16. Review status: criteria provided, single submitter. Criteria: GeneDx Variant Classification Process June 2021. Collection method: clinical testing. Allele origin: germline. Affected: yes.
Comment: Not observed at significant frequency in large population cohorts (gnomAD); In silico analysis supports that this missense variant does not alter protein structure/function; Has not been previously published as pathogenic or benign to our knowledge

Blueprint Genetics
Classification: Uncertain significance. Last evaluated: 2022-12-15. Review status: criteria provided, single submitter. Criteria: ACMG Guidelines, 2015. Collection method: clinical testing. Allele origin: germline.

PreventionGenetics, part of Exact Sciences
Classification: Uncertain significance for POLG-related condition. Last evaluated: 2024-01-16. Review status: no assertion criteria provided. Collection method: clinical testing. Allele origin: germline. Not counted in ClinVar's aggregate classification.
Comment: The POLG c.3107C>T variant is predicted to result in the amino acid substitution p.Ser1036Leu. To our knowledge, this variant has not been reported in the literature or in a large population database, indicating this variant is rare. At this time, the clinical significance of this variant is uncertain due to the absence of conclusive functional and genetic evidence.

NM_002693.3(POLG):c.3107C>T (p.Ser1036Leu)

Gene: POLG (DNA polymerase gamma, catalytic subunit; minus strand). Cytogenetic location: 15q26.1.
Variant type: single nucleotide variant.
Coding change: c.3107C>T on transcript NM_002693.3 (MANE Select); coding-DNA position 3107, C replaced by T.
Protein change: p.Ser1036Leu; replaces serine 1036 with leucine.
Molecular consequence: missense variant.
Genome position (GRCh38, 1-based): chr15:89,319,097, G>A on the plus strand (C>T on the coding strand, the complement: POLG is on the minus strand). VCF-style: chr15-89319097-G-A. GRCh37 (hg19) VCF-style: chr15-89862328-G-A.
Other names: p.Ser1036Leu; c.3107C>T, p.Ser1036Leu (NM_001126131.2); c.3107C>T (NM_002693.2); short protein forms S1036L.
Identifiers: ClinVar variation 1431486 (VCV001431486.12), dbSNP rs2055354896, ClinGen allele CA393751227.